The following is an entry in ClinVar:

ClinVar aggregate classification (germline): Likely pathogenic (1 of 4 stars; one submission).

Conditions:
Becker muscular dystrophy, Cardiomyopathy, Duchenne muscular dystrophy, Dystrophin deficiency.

Submission:

Natera, Inc.
Classification: Likely pathogenic for Becker muscular dystrophy, Cardiomyopathy, Duchenne muscular dystrophy, Dystrophin deficiency. Last evaluated: 2024-08-26. Review status: criteria provided, single submitter. Criteria: Natera Variant Classification Schema (03/2026). Collection method: clinical testing. Allele origin: germline.
Comment: The c.8671_8672dup variant in DMD is a frameshift variant predicted to shift the reading frame beginning at codon 2892 and leads to a stop codon 28 codons downstream. This variant is expected to result in nonsense mediated decay, truncation, or a dysfunctional protein product. This variant is rare in the general population with a frequency below the threshold expected for the associated phenotype(s). Given the available evidence, this variant is classified as Likely Pathogenic.

NM_004006.3(DMD):c.8671_8672dup (p.Pro2892fs)

Gene: DMD (dystrophin; minus strand). Cytogenetic location: Xp21.2.
Variant type: Duplication.
Coding change: c.8671_8672dup on transcript NM_004006.3 (MANE Select); coding-DNA positions 8671 to 8672, 2 bases duplicated (CT; older notation c.8671_8672dupCT).
Protein change: p.Pro2892fs; shifts the reading frame from proline 2892.
Molecular consequence: frameshift variant.
Genome position (GRCh38, 1-based): chrX:31,478,371-31,478,372, AG duplicated on the plus strand (CT on the coding strand, the reverse complement: DMD is on the minus strand). VCF-style (leftmost placement, unchanged base first): chrX-31478370-C-CAG. GRCh37 (hg19) VCF-style: chrX-31496487-C-CAG.
Other names: c.8659_8660dup, p.Pro2888fs (NM_004009.3); c.8302_8303dup, p.Pro2769fs (NM_004010.3); c.4648_4649dup, p.Pro1551fs (NM_004011.4); c.4639_4640dup, p.Pro1548fs (NM_004012.4); c.1291_1292dup, p.Pro432fs (NM_004013.3, NM_004020.4, NM_004021.3 and 2 more transcripts); c.484_485dup, p.Pro163fs (NM_004014.3); c.8647_8648dup, p.Pro2884fs (NM_000109.4); short protein forms P1548fs, P1551fs, P163fs, P2769fs, P2884fs, P2888fs, P2892fs, P432fs.
Identifiers: ClinVar variation 4815321 (VCV004815321.1).